The following is an entry in ClinVar:

ClinVar aggregate classification (germline): Uncertain significance (1 of 4 stars; one submission).

Allele frequency attached by ClinVar (database versions not stated): ExAC 0.00002; gnomAD exomes 0.00003; gnomAD 0.00005; TOPMed 0.00005; ESP Exome Variant Server 0.00008.
gnomAD v4.1: 48 of 1,613,548 alleles (0.003%); highest among the groups gnomAD compares: Admixed American, 0.027%; no homozygotes.

Submission:

Labcorp Genetics (formerly Invitae), Labcorp
Classification: Uncertain significance. Last evaluated: 2023-10-16. Review status: criteria provided, single submitter. Criteria: Invitae Variant Classification Sherloc (09022015). Collection method: clinical testing. Allele origin: germline.
Comment: This sequence change affects codon 833 of the ROBO2 mRNA. It is a 'silent' change, meaning that it does not change the encoded amino acid sequence of the ROBO2 protein. It affects a nucleotide within the consensus splice site. This variant is present in population databases (rs200415597, gnomAD 0.03%), and has an allele count higher than expected for a pathogenic variant. This variant has not been reported in the literature in individuals affected with ROBO2-related conditions. Algorithms developed to predict the effect of sequence changes on RNA splicing suggest that this variant is not likely to affect RNA splicing. In summary, the available evidence is currently insufficient to determine the role of this variant in disease. Therefore, it has been classified as a Variant of Uncertain Significance.

NM_001395656.1(ROBO2):c.2511C>T (p.Ile837=)

Gene: ROBO2 (roundabout guidance receptor 2; plus strand). Cytogenetic location: 3p12.3.
Variant type: single nucleotide variant.
Coding change: c.2511C>T on transcript NM_001395656.1 (MANE Select); coding-DNA position 2511, C replaced by T.
Protein change: p.Ile837=; no amino-acid change (isoleucine 837 retained).
Molecular consequence: synonymous variant.
Genome position (GRCh38, 1-based): chr3:77,580,117, C>T. VCF-style: chr3-77580117-C-T. GRCh37 (hg19) VCF-style: chr3-77629268-C-T.
Other names: c.2547C>T, p.Ile849= (NM_001128929.3); c.2511C>T, p.Ile837= (NM_001290039.2, NM_001290040.2, NM_001378202.1); c.720C>T, p.Ile240= (NM_001290065.2); c.2559C>T, p.Ile853= (NM_001378190.1, NM_001378191.1, NM_001378195.1 and 4 more transcripts); c.2580C>T, p.Ile860= (NM_001378192.1, NM_001378194.1, NM_001378198.1 and 2 more transcripts); c.2499C>T, p.Ile833= (NM_001378193.1, NM_001378197.1, NM_002942.5); c.2568C>T, p.Ile856= (NM_001394212.1, NM_001394214.1, NM_001395657.1).
Identifiers: ClinVar variation 2918139 (VCV002918139.3), dbSNP rs200415597, ClinGen allele CA2497342.